The following is an entry in ClinVar:

NM_004369.4(COL6A3):c.7668G>T (p.Gln2556His)

Gene: COL6A3 (collagen type VI alpha 3 chain; minus strand). Cytogenetic location: 2q37.3.
Variant type: single nucleotide variant.
Coding change: c.7668G>T on transcript NM_004369.4 (MANE Select); coding-DNA position 7668, G replaced by T.
Protein change: p.Gln2556His; replaces glutamine 2556 with histidine.
Molecular consequence: missense variant.
Genome position (GRCh38, 1-based): chr2:237,344,350, C>A on the plus strand (G>T on the coding strand, the complement: COL6A3 is on the minus strand). VCF-style: chr2-237344350-C-A. GRCh37 (hg19) VCF-style: chr2-238252993-C-A.
Other names: c.5847G>T, p.Gln1949His (NM_057166.5); c.7050G>T, p.Gln2350His (NM_057167.4); short protein forms Q2556H, Q1949H, Q2350H.
Identifiers: ClinVar variation 542979 (VCV000542979.9), dbSNP rs1553547891, ClinGen allele CA351201429.

ClinVar aggregate classification (germline): Uncertain significance (1 of 4 stars; one submission).

Conditions:
Bethlem myopathy 1A. Also called: MYOPATHY, BENIGN CONGENITAL, WITH CONTRACTURES; Bethlem Muscular Dystrophy; Bethlem myopathy 1. Identifiers: Orphanet 610, MedGen CN029274, MONDO:0024530, OMIM 158810.

Submission:

Labcorp Genetics (formerly Invitae), Labcorp
Classification: Uncertain significance for Bethlem myopathy 1A. Last evaluated: 2022-08-15. Review status: criteria provided, single submitter. Criteria: Invitae Variant Classification Sherloc (09022015). Collection method: clinical testing. Allele origin: germline.
Comment: In summary, the available evidence is currently insufficient to determine the role of this variant in disease. Therefore, it has been classified as a Variant of Uncertain Significance. Variants that disrupt the consensus splice site are a relatively common cause of aberrant splicing (PMID: 17576681, 9536098). Algorithms developed to predict the effect of sequence changes on RNA splicing suggest that this variant may disrupt the consensus splice site. Algorithms developed to predict the effect of missense changes on protein structure and function are either unavailable or do not agree on the potential impact of this missense change (SIFT: "Deleterious"; PolyPhen-2: "Not Available"; Align-GVGD: "Class C0"). ClinVar contains an entry for this variant (Variation ID: 542979). This variant has not been reported in the literature in individuals affected with COL6A3-related conditions. This variant is not present in population databases (gnomAD no frequency). This sequence change replaces glutamine, which is neutral and polar, with histidine, which is basic and polar, at codon 2556 of the COL6A3 protein (p.Gln2556His). This variant also falls at the last nucleotide of exon 36, which is part of the consensus splice site for this exon.

Literature cited by the submitters: PubMed 17576681; PubMed 9536098.